The following is an entry in ClinVar:

NM_000059.4(BRCA2):c.8993_9024del (p.Ser2998fs)

Gene: BRCA2 (BRCA2 DNA repair associated; plus strand). Cytogenetic location: 13q13.1.
Variant type: Deletion.
Coding change: c.8993_9024del on transcript NM_000059.4 (MANE Select); coding-DNA positions 8993 to 9024, 32 bases deleted.
Protein change: p.Ser2998fs; shifts the reading frame from serine 2998.
Molecular consequence: frameshift variant.
Genome position (GRCh38, 1-based): chr13:32,379,789-32,379,820, 32 bases deleted; deleting any 32 consecutive bases within chr13:32,379,786-32,379,820 gives the same sequence; the c. name uses the placement nearest the transcript's 3' end. GRCh37 (hg19): chr13:32,953,926-32,953,957.
Other names: 9218del32; short protein forms S2998fs.
Identifiers: ClinVar variation 267127 (VCV000267127.5), dbSNP rs886040809, ClinGen allele CA10589536.

ClinVar aggregate classification (germline): Pathogenic. Review status: reviewed by expert panel (3 of 4 stars). 2 submissions from 2 submitters: Pathogenic (1). 1 of the submissions does not count toward it. Last evaluated 2016-10-18.

Conditions:
Breast-ovarian cancer, familial, susceptibility to, 2 (BROVCA2). Also called: BRCA2 Hereditary Breast and Ovarian Cancer. Identifiers: Orphanet 145, MedGen C2675520, MONDO:0012933, OMIM 612555. Disease mechanism: loss of function.

Submissions (2):

Evidence-based Network for the Interpretation of Germline Mutant Alleles (ENIGMA)
Classification: Pathogenic for Breast-ovarian cancer, familial, susceptibility to, 2. Last evaluated: 2016-10-18. Review status: reviewed by expert panel. Criteria: ENIGMA BRCA1/2 Classification Criteria (2015). Collection method: curation. Allele origin: germline.
Comment: Variant allele predicted to encode a truncated non-functional protein.

Consortium of Investigators of Modifiers of BRCA1/2 (CIMBA), c/o University of Cambridge
Classification: Pathogenic for Breast-ovarian cancer, familial, susceptibility to, 2. Last evaluated: 2015-10-02. Review status: criteria provided, single submitter. Criteria: CIMBA Mutation Classification guidelines May 2016. Collection method: clinical testing. Allele origin: germline. Not counted in ClinVar's aggregate classification.